The following is an entry in ClinVar:

ClinVar aggregate classification (germline): Uncertain significance (1 of 4 stars; one submission).

Conditions:
Dilated cardiomyopathy 1O (CMD1O). Also called: CARDIOMYOPATHY, DILATED, WITH VENTRICULAR TACHYCARDIA. Identifiers: Orphanet 154, MedGen C1837839, MONDO:0012062, OMIM 608569.

Submission:

Labcorp Genetics (formerly Invitae), Labcorp
Classification: Uncertain significance for Dilated cardiomyopathy 1O. Last evaluated: 2021-04-11. Review status: criteria provided, single submitter. Criteria: Invitae Variant Classification Sherloc (09022015). Collection method: clinical testing. Allele origin: germline.
Comment: A copy number gain of the genomic region encompassing the full coding sequence of the ABCC9 gene has been identified. The boundaries of this event are unknown as they extend beyond the assayed region for this gene and therefore may encompass additional genes. As the precise location of this event is unknown, it may be in tandem or it may be located elsewhere in the genome. This variant has not been reported in the literature in individuals with ABCC9-related conditions. In summary, the available evidence is currently insufficient to determine the role of this variant in disease. Therefore, it has been classified as a Variant of Uncertain Significance.

NC_000012.12:g.(?_21805164)_(21936684_?)dup

Gene: ABCC9 (ATP binding cassette subfamily C member 9; minus strand). Cytogenetic location: 12p12.1.
Variant type: Duplication.
Identifiers: ClinVar variation 830816 (VCV000830816.3).